The following is an entry in ClinVar:

ClinVar aggregate classification (germline): Uncertain significance. Review status: criteria provided, multiple submitters, no conflicts (2 of 4 stars). 2 submissions from 2 submitters: Uncertain significance (2). Last evaluated 2025-10-26.

Conditions:
Agammaglobulinemia 2, autosomal recessive (AGM2). Also called: AGAMMAGLOBULINEMIA, AUTOSOMAL RECESSIVE, DUE TO IGLL1 DEFECT. Identifiers: MedGen C3150750, MONDO:0013287, OMIM 613500.

Allele frequency attached by ClinVar (database versions not stated): gnomAD exomes 0.00001.

Submissions (2):

Labcorp Genetics (formerly Invitae), Labcorp
Classification: Uncertain significance for Agammaglobulinemia 2, autosomal recessive. Last evaluated: 2025-10-26. Review status: criteria provided, single submitter. Criteria: Invitae Variant Classification Sherloc (09022015). Collection method: clinical testing. Allele origin: germline.
Comment: This sequence change replaces tryptophan, which is neutral and slightly polar, with leucine, which is neutral and non-polar, at codon 149 of the IGLL1 protein (p.Trp149Leu). This variant is present in population databases (no rsID available, gnomAD 0.002%). This variant has not been reported in the literature in individuals affected with IGLL1-related conditions. ClinVar contains an entry for this variant (Variation ID: 1414307). An algorithm developed to predict the effect of missense changes on protein structure and function (PolyPhen-2) suggests that this variant is likely to be disruptive. In summary, the available evidence is currently insufficient to determine the role of this variant in disease. Therefore, it has been classified as a Variant of Uncertain Significance.

Ambry Genetics
Classification: Uncertain significance. Last evaluated: 2023-05-23. Review status: criteria provided, single submitter. Criteria: Ambry Variant Classification Scheme 2023. Collection method: clinical testing. Allele origin: germline.

NM_020070.4(IGLL1):c.446G>T (p.Trp149Leu)

Gene: IGLL1 (immunoglobulin lambda like polypeptide 1; minus strand). Cytogenetic location: 22q11.23.
Variant type: single nucleotide variant.
Coding change: c.446G>T on transcript NM_020070.4 (MANE Select); coding-DNA position 446, G replaced by T.
Protein change: p.Trp149Leu; replaces tryptophan 149 with leucine.
Molecular consequence: missense variant. On other transcripts: 3 prime UTR variant (1).
Genome position (GRCh38, 1-based): chr22:23,573,462, C>A on the plus strand (G>T on the coding strand, the complement: IGLL1 is on the minus strand). VCF-style: chr22-23573462-C-A. GRCh37 (hg19) VCF-style: chr22-23915649-C-A.
Other names: c.449G>T, p.Trp150Leu (NM_001369906.1); c.*75G>T (NM_152855.3); c.446G>T (NM_020070.2); short protein forms W150L, W149L.
Identifiers: ClinVar variation 1414307 (VCV001414307.9), dbSNP rs1284827222, ClinGen allele CA410898730.